The following is an entry in ClinVar:

NM_001384140.1(PCDH15):c.3718-19C>A

Gene: PCDH15 (protocadherin related 15; minus strand). Cytogenetic location: 10q21.1.
Variant type: single nucleotide variant.
Coding change: c.3718-19C>A on transcript NM_001384140.1 (MANE Select); 19 bases into the intron before coding-DNA position 3718, C replaced by A.
Molecular consequence: intron variant.
Genome position (GRCh38, 1-based): chr10:53,857,282, G>T on the plus strand (C>A on the coding strand, the complement: PCDH15 is on the minus strand). VCF-style: chr10-53857282-G-T. GRCh37 (hg19) VCF-style: chr10-55617042-G-T.
Other names: c.3718-19C>A (NM_001354420.2, NM_001354429.2, NM_001142772.2 and 4 more transcripts); c.3733-19C>A (NM_001142771.2, NM_001142763.2); c.3739-19C>A (NM_001354411.2); c.3754-19C>A (NM_001142769.3); c.3652-19C>A (NM_001354404.2, NM_001142773.2, NM_001142768.2); c.3607-19C>A (NM_001142767.2); c.3505-19C>A (NM_001142765.2).
Identifiers: ClinVar variation 46472 (VCV000046472.18), dbSNP rs75248212, ClinGen allele CA138421.
Genomic context (GRCh38, chr10:53,857,282, plus strand): 5'-GGAAACAATGACTTGCATATCCAGCTGATTGACCACGGAGACCTGAAAGAAGAAAAAACA[G>T]AATTCATTTAATTTTTACTCACTGAAATTTCCATAATCAGAAAACCCCCACATTACCTCT-3'

ClinVar aggregate classification (germline): Benign. Review status: criteria provided, multiple submitters, no conflicts (2 of 4 stars). 6 submissions from 6 submitters: Benign (6). Last evaluated 2026-02-04.

Conditions:
Usher syndrome type 1F (USH1F). Also called: USHER SYNDROME, TYPE IF. Identifiers: Orphanet 231169, Orphanet 886, MedGen C1865885, MONDO:0011186, OMIM 602083.

Allele frequency attached by ClinVar (database versions not stated): TOPMed 0.02217; gnomAD 0.02169 and 0.02141; ESP Exome Variant Server 0.02269; 1000 Genomes Project 0.01897; 1000 Genomes Project 30x 0.01858.
gnomAD v4.1: 39,861 of 1,582,082 alleles (2.5%); highest among the groups gnomAD compares: Middle Eastern, 4.2%; 600 homozygotes.

Submissions (6):

Labcorp Genetics (formerly Invitae), Labcorp
Classification: Benign. Last evaluated: 2026-02-04. Review status: criteria provided, single submitter. Criteria: Invitae Variant Classification Sherloc (09022015). Collection method: clinical testing. Allele origin: germline.

Genome-Nilou Lab
Classification: Benign for Usher syndrome type 1F. Last evaluated: 2021-07-01. Review status: criteria provided, single submitter. Criteria: ACMG Guidelines, 2015. Collection method: clinical testing. Allele origin: germline. Affected: no.

Women's Health and Genetics/Laboratory Corporation of America, LabCorp
Classification: Benign. Last evaluated: 2016-10-31. Review status: criteria provided, single submitter. Criteria: LabCorp Variant Classification Summary - May 2015. Collection method: clinical testing. Allele origin: germline.
Comment: Variant summary: The PCDH15 c.3718-19C>A variant involves the alteration of a non-conserved intronic nucleotide. Mutation Taster predicts a benign outcome for this variant. 5/5 splice prediction tools predict no significant impact on normal splicing. This variant was found in 2786/119520 control chromosomes (53 homozygotes) at a frequency of 0.0233099, which is approximately 7 times the estimated maximal expected allele frequency of a pathogenic PCDH15 variant (0.0031623), suggesting this variant is likely a benign polymorphism. In addition, multiple clinical diagnostic laboratories and a reputable database have classified this variant as benign. Taken together, this variant is classified as Benign.

Laboratory for Molecular Medicine, Mass General Brigham Personalized Medicine
Classification: Benign. Last evaluated: 2013-06-01. Review status: criteria provided, single submitter. Criteria: LMM Criteria. Collection method: clinical testing. Allele origin: germline. Observed: 8 variant alleles.
Comment: proposed classification - variant undergoing re-assessment, contact laboratory

GeneDx
Classification: Benign. Last evaluated: 2012-10-25. Review status: criteria provided, single submitter. Criteria: GeneDx Variant Classification (06012015). Collection method: clinical testing. Allele origin: germline. Affected: yes.
Comment: This variant is considered likely benign or benign based on one or more of the following criteria: it is a conservative change, it occurs at a poorly conserved position in the protein, it is predicted to be benign by multiple in silico algorithms, and/or has population frequency not consistent with disease.

Breakthrough Genomics
Classification: Benign. Review status: criteria provided, single submitter. Criteria: ACMG Guidelines, 2015. Collection method: not provided. Allele origin: germline. Inheritance: Autosomal recessive inheritance. Affected: yes.